The following is an entry in ClinVar:

NM_014874.4(MFN2):c.702G>A (p.Met234Ile)

Gene: MFN2 (mitofusin 2; plus strand). Cytogenetic location: 1p36.22.
Variant type: single nucleotide variant.
Coding change: c.702G>A on transcript NM_014874.4 (MANE Select); coding-DNA position 702, G replaced by A.
Protein change: p.Met234Ile; replaces methionine 234 with isoleucine.
Molecular consequence: missense variant.
Genome position (GRCh38, 1-based): chr1:11,998,872, G>A. VCF-style: chr1-11998872-G-A. GRCh37 (hg19) VCF-style: chr1-12058929-G-A.
Other names: c.702G>A, p.Met234Ile (NM_001127660.2); short protein forms M234I.
Identifiers: ClinVar variation 3027428 (VCV003027428.1), dbSNP rs2523035483, ClinGen allele CA338438593.
Genomic context (GRCh38, chr1:11,998,872, plus strand): 5'-CAAGTTTTGTCTGGATGCTGATGTGTTTGTGCTGGTGGCCAACTCAGAGTCCACCCTGAT[G>A]CAGACGGTAACTCCTCCTCTGCCTTCTCCCAAGCTCCCAGCACCCCCTGGGCAGGCAGCT-3'
Protein context (NP_055689.1, residues 224-244): VLVANSESTL[Met234Ile]QTEKHFFHKV

ClinVar aggregate classification (germline): Likely pathogenic (1 of 4 stars; one submission).

Conditions:
Charcot-Marie-Tooth disease type 2A2. Also called: CHARCOT-MARIE-TOOTH DISEASE, AXONAL, TYPE 2A2; CHARCOT-MARIE-TOOTH DISEASE, NEURONAL, TYPE 2A2; HEREDITARY MOTOR AND SENSORY NEUROPATHY IIA2; HMSN IIA2; CHARCOT-MARIE-TOOTH DISEASE, AXONAL, AUTOSOMAL DOMINANT, TYPE 2A2A; Charcot-Marie-Tooth Neuropathy Type 2A2. Identifiers: Orphanet 99947, MedGen C4721887, MONDO:0012231, OMIM 609260.

Submission:

Human Genetics Bochum, Ruhr University Bochum
Classification: Likely pathogenic for Charcot-Marie-Tooth disease type 2A2. Last evaluated: 2023-04-19. Review status: criteria provided, single submitter. Criteria: ACMG Guidelines, 2015. Collection method: clinical testing. Allele origin: germline. Affected: yes.
Comment: ACMG criteria used to clasify this variant: PM1, PM6, PP3_MOD, PM2_SUP